The following is an entry in ClinVar:

NM_014639.4(SKIC3):c.2808G>A (p.Trp936Ter)

Gene: SKIC3 (SKI3 subunit of superkiller complex; minus strand). Cytogenetic location: 5q15.
Variant type: single nucleotide variant.
Coding change: c.2808G>A on transcript NM_014639.4 (MANE Select); coding-DNA position 2808, G replaced by A.
Protein change: p.Trp936Ter; replaces tryptophan 936 with a stop codon.
Molecular consequence: nonsense.
Genome position (GRCh38, 1-based): chr5:95,512,589, C>T on the plus strand (G>A on the coding strand, the complement: SKIC3 is on the minus strand). VCF-style: chr5-95512589-C-T. GRCh37 (hg19) VCF-style: chr5-94848293-C-T.
Other names: short protein forms W936*.
Identifiers: ClinVar variation 196135 (VCV000196135.13), dbSNP rs534237033, ClinGen allele CA202161.

ClinVar aggregate classification (germline): Pathogenic. Review status: criteria provided, multiple submitters, no conflicts (2 of 4 stars). 5 submissions from 5 submitters: Pathogenic (4). 1 of the submissions does not count toward it. Last evaluated 2026-02-17.

Conditions:
SKIC3-related disorder. Also called: SKIC3-related condition.
Trichohepatoenteric syndrome 1 (THES1). Also called: DIARRHEA, FATAL INFANTILE, WITH TRICHORRHEXIS NODOSA. Identifiers: Orphanet 84064, MedGen C4551982, MONDO:0024541, OMIM 222470.

Allele frequency attached by ClinVar (database versions not stated): gnomAD below 0.00001 and 0.00003; ExAC 0.00006; gnomAD exomes 0.00006; 1000 Genomes Project 30x 0.00047; 1000 Genomes Project 0.00060.
gnomAD v4.1: 48 of 1,613,838 alleles (0.003%); highest among the groups gnomAD compares: South Asian, 0.049%; no homozygotes.

Submissions (5):

PreventionGenetics, part of Exact Sciences
Classification: Pathogenic for SKIC3-related condition. Last evaluated: 2026-02-17. Review status: criteria provided, single submitter. Criteria: ACMG Guidelines, 2015. Collection method: clinical testing. Allele origin: germline.
Comment: The SKIC3 c.2808G>A variant is predicted to result in premature protein termination (p.Trp936*). This variant has been reported in the homozygous state in individual with trichohepatoenteric syndrome and may be a possible founder variant in individuals of South Asian descent (Hartley et al. 2010. PubMed ID: 20176027; Kotecha et al. 2012. PubMed ID: 23326254). This variant is reported in 0.046% of alleles in individuals of South Asian descent in gnomAD. Nonsense variants in SKIC3 are expected to be pathogenic. This variant is interpreted as pathogenic.

Labcorp Genetics (formerly Invitae), Labcorp
Classification: Pathogenic. Last evaluated: 2024-03-25. Review status: criteria provided, single submitter. Criteria: Invitae Variant Classification Sherloc (09022015). Collection method: clinical testing. Allele origin: germline.
Comment: This sequence change creates a premature translational stop signal (p.Trp936*) in the TTC37 gene. It is expected to result in an absent or disrupted protein product. Loss-of-function variants in TTC37 are known to be pathogenic (PMID: 20176027, 21120949). This variant is present in population databases (rs534237033, gnomAD 0.05%). This premature translational stop signal has been observed in individual(s) with trichohepatoenteric syndrome (PMID: 20176027, 23326254). ClinVar contains an entry for this variant (Variation ID: 196135). Algorithms developed to predict the effect of sequence changes on RNA splicing suggest that this variant may disrupt the consensus splice site. For these reasons, this variant has been classified as Pathogenic.

GeneDx
Classification: Pathogenic. Last evaluated: 2020-07-07. Review status: criteria provided, single submitter. Criteria: GeneDx Variant Classification Process June 2021. Collection method: clinical testing. Allele origin: germline. Affected: yes.
Comment: Nonsense variant predicted to result in protein truncation or nonsense mediated decay in a gene for which loss-of-function is a known mechanism of disease; This variant is associated with the following publications: (PMID: 23326254, 20176027)

Eurofins Ntd Llc (ga)
Classification: Pathogenic. Last evaluated: 2014-10-14. Review status: criteria provided, single submitter. Criteria: EGL Classification Definitions 2015. Collection method: clinical testing. Allele origin: germline.

OMIM
Classification: Pathogenic for TRICHOHEPATOENTERIC SYNDROME 1. Last evaluated: 2010-06-01. Review status: no assertion criteria provided. Collection method: literature only. Allele origin: germline. Not counted in ClinVar's aggregate classification.

Literature cited by the submitters: PubMed 20176027 (cited by Labcorp Genetics (formerly Invitae), Labcorp and OMIM); PubMed 21120949 (cited by Labcorp Genetics (formerly Invitae), Labcorp); PubMed 23326254 (cited by Labcorp Genetics (formerly Invitae), Labcorp).